The following is an entry in ClinVar:

NM_021831.6(AGBL5):c.2444G>A (p.Arg815Lys)

Gene: AGBL5 (AGBL carboxypeptidase 5; plus strand). Cytogenetic location: 2p23.3.
Variant type: single nucleotide variant.
Coding change: c.2444G>A on transcript NM_021831.6 (MANE Select); coding-DNA position 2444, G replaced by A.
Protein change: p.Arg815Lys; replaces arginine 815 with lysine.
Molecular consequence: missense variant. On other transcripts: non-coding transcript variant (2).
Genome position (GRCh38, 1-based): chr2:27,069,661, G>A. VCF-style: chr2-27069661-G-A. GRCh37 (hg19) VCF-style: chr2-27292529-G-A.
Other names: c.2444G>A (NM_021831.5); short protein forms R815K.
Identifiers: ClinVar variation 1035935 (VCV001035935.9), dbSNP rs367995205, ClinGen allele CA346142207.
Genomic context (GRCh38, chr2:27,069,661, plus strand): 5'-CGCCGACTCGCAGAGGGATGAAAGGCTCTTCAGGCCCCACATCCCCTACCCCCCGGACCA[G>A]GGAGAGCAGTGAGCTGGAGCTGGGATCCTGCTCTGCTACACCAGGGTGAGCACTTGGGTC-3'
Protein context (NP_068603.4, residues 805-825): SGPTSPTPRT[Arg815Lys]ESSELELGSC

ClinVar aggregate classification (germline): Uncertain significance. Review status: criteria provided, multiple submitters, no conflicts (2 of 4 stars). 3 submissions from 3 submitters: Uncertain significance (3). Last evaluated 2026-05-10.

Conditions:
Inborn genetic diseases. Identifiers: MedGen C0950123, MeSH D030342.

Submissions (3):

Ambry Genetics
Classification: Uncertain significance for Inborn genetic diseases. Last evaluated: 2026-05-10. Review status: criteria provided, single submitter. Criteria: Ambry Variant Classification Scheme 2023. Collection method: clinical testing. Allele origin: germline.

Labcorp Genetics (formerly Invitae), Labcorp
Classification: Uncertain significance. Last evaluated: 2023-12-11. Review status: criteria provided, single submitter. Criteria: Invitae Variant Classification Sherloc (09022015). Collection method: clinical testing. Allele origin: germline.
Comment: This sequence change replaces arginine, which is basic and polar, with lysine, which is basic and polar, at codon 815 of the AGBL5 protein (p.Arg815Lys). This variant is present in population databases (no rsID available, gnomAD 0.01%). This variant has not been reported in the literature in individuals affected with AGBL5-related conditions. ClinVar contains an entry for this variant (Variation ID: 1035935). Algorithms developed to predict the effect of missense changes on protein structure and function output the following: SIFT: "Not Available"; PolyPhen-2: "Benign"; Align-GVGD: "Not Available". The lysine amino acid residue is found in multiple mammalian species, which suggests that this missense change does not adversely affect protein function. In summary, the available evidence is currently insufficient to determine the role of this variant in disease. Therefore, it has been classified as a Variant of Uncertain Significance.

Blueprint Genetics
Classification: Uncertain significance. Last evaluated: 2019-07-10. Review status: criteria provided, single submitter. Criteria: ACMG Guidelines, 2015. Collection method: clinical testing. Allele origin: germline.